The following is an entry in ClinVar:

ClinVar aggregate classification (germline): Uncertain significance (1 of 4 stars; one submission).

Conditions:
Familial adenomatous polyposis 1 (FAP1). Also called: FAMILIAL ADENOMATOUS POLYPOSIS 1, ATTENUATED; POLYPOSIS, ADENOMATOUS INTESTINAL. Identifiers: MedGen C2713442, MONDO:0021056, OMIM 175100. Disease mechanism: loss of function.

Submission:

Labcorp Genetics (formerly Invitae), Labcorp
Classification: Uncertain significance for Familial adenomatous polyposis 1. Last evaluated: 2023-11-08. Review status: criteria provided, single submitter. Criteria: Invitae Variant Classification Sherloc (09022015). Collection method: clinical testing. Allele origin: germline.
Comment: This variant occurs in a non-coding region of the APC gene. It does not change the encoded amino acid sequence of the APC protein. This variant is not present in population databases (gnomAD no frequency). This variant has not been reported in the literature in individuals affected with APC-related conditions. Experimental studies and prediction algorithms are not available or were not evaluated, and the functional significance of this variant is currently unknown. In summary, the available evidence is currently insufficient to determine the role of this variant in disease. Therefore, it has been classified as a Variant of Uncertain Significance.

NM_001127511.3(APC):c.157G>A (p.Val53Ile)

Gene: APC (APC regulator of Wnt signaling pathway; plus strand). Cytogenetic location: 5q22.2.
Variant type: single nucleotide variant.
Coding change: c.157G>A on transcript NM_001127511.3; coding-DNA position 157, G replaced by A.
Protein change: p.Val53Ile; replaces valine 53 with isoleucine.
Molecular consequence: missense variant. On other transcripts: 5 prime UTR variant (8), non-coding transcript variant (1), intron variant (5).
Genome position (GRCh38, 1-based): chr5:112,707,874, G>A. VCF-style: chr5-112707874-G-A. GRCh37 (hg19) VCF-style: chr5-112043571-G-A.
Other names: c.-27G>A (NM_001354895.2, NM_001407447.1, NM_001407452.1 and 3 more transcripts); c.157G>A, p.Val53Ile (NM_001354897.2, NM_001354902.2, NM_001407446.1); c.-1062G>A (NM_001407470.1, NM_001407472.1); c.-19+225G>A (NM_001407448.1, NM_001407450.1, NM_001407457.1 and 1 more transcripts); c.-43+225G>A (NM_001407453.1); short protein forms V53I.
Identifiers: ClinVar variation 2785796 (VCV002785796.3), dbSNP rs888841371, ClinGen allele CA360612201.